The following is an entry in ClinVar:

NM_001160372.4(TRAPPC9):c.1869C>T (p.Ser623=)

Gene: TRAPPC9 (trafficking protein particle complex subunit 9; minus strand). Cytogenetic location: 8q24.3.
Variant type: single nucleotide variant.
Coding change: c.1869C>T on transcript NM_001160372.4 (MANE Select); coding-DNA position 1869, C replaced by T.
Protein change: p.Ser623=; no amino-acid change (serine 623 retained).
Molecular consequence: synonymous variant. On other transcripts: non-coding transcript variant (1).
Genome position (GRCh38, 1-based): chr8:140,287,720, G>A on the plus strand (C>T on the coding strand, the complement: TRAPPC9 is on the minus strand). VCF-style: chr8-140287720-G-A. GRCh37 (hg19) VCF-style: chr8-141297819-G-A.
Other names: c.1842C>T, p.Ser614= (NM_001321646.2); c.1890C>T, p.Ser630= (NM_001374682.1); c.1869C>T, p.Ser623= (NM_001374683.1, NM_031466.8); c.1725C>T, p.Ser575= (NM_001374684.1).
Identifiers: ClinVar variation 130624 (VCV000130624.28), dbSNP rs117685875, ClinGen allele CA155767.
Genomic context (GRCh38, chr8:140,287,720, plus strand): 5'-GTACAGACCAGATTCAGCCGGAAGAGAAAGCGCCGCAGGGAGAGACTCGAACTCCACTCC[G>A]CTGGTGAGCAGCCCCTAAACCAAGCGACGCAGCATCGTAAGCCCGGAGCAAACCTACTGT-3'
Protein context (NP_001153844.1, residues 613-633): LRVENMGLLT[Ser623=]GVEFESLPAA

ClinVar aggregate classification (germline): Benign/Likely benign. Review status: criteria provided, multiple submitters, no conflicts (2 of 4 stars). 5 submissions from 5 submitters: Benign (3); Likely benign (1). 1 of the submissions does not count toward it. Last evaluated 2026-02-01.

Conditions:
Inborn genetic diseases. Identifiers: MedGen C0950123, MeSH D030342.
TRAPPC9-related disorder. Also called: TRAPPC9-related condition.

Allele frequency attached by ClinVar (database versions not stated): 1000 Genomes Project 0.00379; 1000 Genomes Project 30x 0.00422; ExAC 0.00838; gnomAD exomes 0.00841 and 0.01391; gnomAD 0.00955 and 0.01001; TOPMed 0.01001; ESP Exome Variant Server 0.01038.
gnomAD v4.1: 21,675 of 1,614,128 alleles (1.3%); highest among the groups gnomAD compares: Non-Finnish European, 1.7%; 190 homozygotes.

Submissions (5):

Labcorp Genetics (formerly Invitae), Labcorp
Classification: Benign. Last evaluated: 2026-02-01. Review status: criteria provided, single submitter. Criteria: Invitae Variant Classification Sherloc (09022015). Collection method: clinical testing. Allele origin: germline.

GeneDx
Classification: Likely benign. Last evaluated: 2021-01-04. Review status: criteria provided, single submitter. Criteria: GeneDx Variant Classification Process June 2021. Collection method: clinical testing. Allele origin: germline. Affected: yes.

Ambry Genetics
Classification: Benign for Inborn genetic diseases. Last evaluated: 2016-05-03. Review status: criteria provided, single submitter. Criteria: Ambry Variant Classification Scheme 2023. Collection method: clinical testing. Allele origin: germline.

Genetic Services Laboratory, University of Chicago
Classification: Benign for AllHighlyPenetrant. Last evaluated: 2013-07-08. Review status: criteria provided, single submitter. Criteria: ACMG Guidelines, 2007. Collection method: clinical testing. Allele origin: germline. Inheritance: Autosomal recessive inheritance.

PreventionGenetics, part of Exact Sciences
Classification: Benign for TRAPPC9-related condition. Last evaluated: 2019-06-05. Review status: no assertion criteria provided. Collection method: clinical testing. Allele origin: germline. Not counted in ClinVar's aggregate classification.
Comment: This variant is classified as benign based on ACMG/AMP sequence variant interpretation guidelines (Richards et al. 2015 PMID: 25741868, with internal and published modifications).